The following is an entry in ClinVar:

NM_022356.4(P3H1):c.1141G>C (p.Asp381His)

Gene: P3H1 (prolyl 3-hydroxylase 1; minus strand). Cytogenetic location: 1p34.2.
Variant type: single nucleotide variant.
Coding change: c.1141G>C on transcript NM_022356.4 (MANE Select); coding-DNA position 1141, G replaced by C.
Protein change: p.Asp381His; replaces aspartic acid 381 with histidine.
Molecular consequence: missense variant.
Genome position (GRCh38, 1-based): chr1:42,755,577, C>G on the plus strand (G>C on the coding strand, the complement: P3H1 is on the minus strand). VCF-style: chr1-42755577-C-G. GRCh37 (hg19) VCF-style: chr1-43221248-C-G.
Other names: c.1141G>C, p.Asp381His (NM_001146289.2, NM_001243246.2); short protein forms D381H.
Identifiers: ClinVar variation 583135 (VCV000583135.4), dbSNP rs769330518, ClinGen allele CA801958.

ClinVar aggregate classification (germline): Uncertain significance. Review status: criteria provided, multiple submitters, no conflicts (2 of 4 stars). 3 submissions from 3 submitters: Uncertain significance (3). Last evaluated 2023-04-19.

Conditions:
P3H1-related disorder. Also called: P3H1-related condition.
Osteogenesis imperfecta type 8 (OI8). Identifiers: MedGen C1970458, MONDO:0012581, OMIM 610915.

Allele frequency attached by ClinVar (database versions not stated): gnomAD exomes below 0.00001 and 0.00001; ExAC 0.00001.
gnomAD v4.1: 2 of 1,614,130 alleles (0.00012%); highest among the groups gnomAD compares: Admixed American, 0.0033%; no homozygotes.

Submissions (3):

PreventionGenetics, part of Exact Sciences
Classification: Uncertain significance for P3H1-related condition. Last evaluated: 2023-04-19. Review status: criteria provided, single submitter. Criteria: ACMG Guidelines, 2015. Collection method: clinical testing. Allele origin: germline.
Comment: The P3H1 c.1141G>C variant is predicted to result in the amino acid substitution p.Asp381His. To our knowledge, this variant has not been reported in the literature. This variant is reported in 0.0087% of alleles in individuals of Latino descent in gnomAD. At this time, the clinical significance of this variant is uncertain due to the absence of conclusive functional and genetic evidence.

Genome-Nilou Lab
Classification: Uncertain significance for Osteogenesis imperfecta type 8. Last evaluated: 2023-04-11. Review status: criteria provided, single submitter. Criteria: ACMG Guidelines, 2015. Collection method: clinical testing. Allele origin: germline. Affected: no.

Labcorp Genetics (formerly Invitae), Labcorp
Classification: Uncertain significance for Osteogenesis imperfecta type 8. Last evaluated: 2021-08-24. Review status: criteria provided, single submitter. Criteria: Invitae Variant Classification Sherloc (09022015). Collection method: clinical testing. Allele origin: germline.
Comment: This sequence change replaces aspartic acid with histidine at codon 381 of the P3H1 protein (p.Asp381His). The aspartic acid residue is moderately conserved and there is a moderate physicochemical difference between aspartic acid and histidine. This variant is present in population databases (rs769330518, ExAC 0.009%). This variant has not been reported in the literature in individuals affected with P3H1-related conditions. Algorithms developed to predict the effect of missense changes on protein structure and function are either unavailable or do not agree on the potential impact of this missense change (SIFT: "Deleterious"; PolyPhen-2: "Benign"; Align-GVGD: "Class C0"). In summary, the available evidence is currently insufficient to determine the role of this variant in disease. Therefore, it has been classified as a Variant of Uncertain Significance.